The following is an entry in ClinVar:

NC_000001.11:g.24364207C>T

Genes: GRHL3 (grainyhead like transcription factor 3; plus strand), STPG1 (sperm tail PG-rich repeat containing 1; minus strand). Cytogenetic location: 1p36.11.
Variant type: single nucleotide variant.
Molecular consequence: intron variant (on NM_001199013.2). On other transcripts: missense variant (1).
Genome position: GRCh38 VCF-style: chr1-24364207-C-T. GRCh37 (hg19) VCF-style: chr1-24690697-C-T.
Other names: c.1717C>T, p.Arg573Cys (NM_198174.3); c.738-3166G>A (NM_001199012.2, NM_001199013.2); c.597-3166G>A (NM_178122.5); c.462-3166G>A (NM_001199014.2); short protein forms R573C.
Identifiers: ClinVar variation 4737939 (VCV004737939.1).

ClinVar aggregate classification (germline): Uncertain significance (1 of 4 stars; one submission).

Conditions:
Van der Woude syndrome 2 (VWS2). Identifiers: Orphanet 888, MedGen C1847604, MONDO:0011712, OMIM 606713.

gnomAD v4.1: 45 of 1,539,308 alleles (0.0029%); highest among the groups gnomAD compares: African/African-American, 0.025%; no homozygotes.

Submission:

Labcorp Genetics (formerly Invitae), Labcorp
Classification: Uncertain significance for Van der Woude syndrome 2. Last evaluated: 2025-10-04. Review status: criteria provided, single submitter. Criteria: Invitae Variant Classification Sherloc (09022015). Collection method: clinical testing. Allele origin: germline.
Comment: This sequence change replaces arginine, which is basic and polar, with cysteine, which is neutral and slightly polar, at codon 573 of the GRHL3 protein (p.Arg573Cys). This variant is present in population databases (rs763952499, gnomAD 0.03%). This variant has not been reported in the literature in individuals affected with GRHL3-related conditions. An algorithm developed to predict the effect of missense changes on protein structure and function (PolyPhen-2) suggests that this variant is likely to be tolerated. In summary, the available evidence is currently insufficient to determine the role of this variant in disease. Therefore, it has been classified as a Variant of Uncertain Significance.